The following is an entry in ClinVar:

ClinVar aggregate classification (germline): Uncertain significance (1 of 4 stars; one submission).

gnomAD v4.1: 2 of 1,613,728 alleles (0.00012%); highest among the groups gnomAD compares: Non-Finnish European, 0.00017%; no homozygotes.

Submission:

Labcorp Genetics (formerly Invitae), Labcorp
Classification: Uncertain significance. Last evaluated: 2022-06-19. Review status: criteria provided, single submitter. Criteria: Invitae Variant Classification Sherloc (09022015). Collection method: clinical testing. Allele origin: germline.
Comment: In summary, the available evidence is currently insufficient to determine the role of this variant in disease. Therefore, it has been classified as a Variant of Uncertain Significance. Algorithms developed to predict the effect of missense changes on protein structure and function are either unavailable or do not agree on the potential impact of this missense change (SIFT: "Deleterious"; PolyPhen-2: "Possibly Damaging"; Align-GVGD: "Class C15"). This variant has not been reported in the literature in individuals affected with C3-related conditions. This variant is not present in population databases (gnomAD no frequency). This sequence change replaces threonine, which is neutral and polar, with asparagine, which is neutral and polar, at codon 220 of the C3 protein (p.Thr220Asn).

NM_000064.4(C3):c.659C>A (p.Thr220Asn)

Gene: C3 (complement C3; minus strand). Cytogenetic location: 19p13.3.
Variant type: single nucleotide variant.
Coding change: c.659C>A on transcript NM_000064.4 (MANE Select); coding-DNA position 659, C replaced by A.
Protein change: p.Thr220Asn; replaces threonine 220 with asparagine.
Molecular consequence: missense variant.
Genome position (GRCh38, 1-based): chr19:6,714,189, G>T on the plus strand (C>A on the coding strand, the complement: C3 is on the minus strand). VCF-style: chr19-6714189-G-T. GRCh37 (hg19) VCF-style: chr19-6714200-G-T.
Other names: short protein forms T220N.
Identifiers: ClinVar variation 2008474 (VCV002008474.4), dbSNP rs1327551887, ClinGen allele CA403643148.